The following is an entry in ClinVar:

NM_031844.3(HNRNPU):c.692-3T>C

Gene: HNRNPU (heterogeneous nuclear ribonucleoprotein U; minus strand). Cytogenetic location: 1q44.
Variant type: single nucleotide variant.
Coding change: c.692-3T>C on transcript NM_031844.3 (MANE Select); 3 bases into the intron before coding-DNA position 692, T replaced by C.
Molecular consequence: intron variant.
Genome position (GRCh38, 1-based): chr1:244,862,733, A>G on the plus strand (T>C on the coding strand, the complement: HNRNPU is on the minus strand). VCF-style: chr1-244862733-A-G. GRCh37 (hg19) VCF-style: chr1-245026035-A-G.
Other names: c.635-3T>C (NM_004501.3).
Identifiers: ClinVar variation 662379 (VCV000662379.10), dbSNP rs760130988, ClinGen allele CA1486715.

ClinVar aggregate classification (germline): Conflicting classifications of pathogenicity. Review status: criteria provided, conflicting classifications (1 of 4 stars). 2 submissions from 2 submitters: Uncertain significance (1); Likely benign (1). Last evaluated 2026-04-09.

Conditions:
Developmental and epileptic encephalopathy, 54. Also called: Epileptic encephalopathy, early infantile, 54; HNRNPU-Related Neurodevelopmental Disorder. Identifiers: MedGen C4479319, MONDO:0033363, OMIM 617391.

Allele frequency attached by ClinVar (database versions not stated): gnomAD below 0.00001 and 0.00002; ExAC 0.00006.

Submissions (2):

Centre for Medical Genetics,  Mumbai
Classification: Likely benign for Developmental and epileptic encephalopathy, 54. Last evaluated: 2026-04-09. Review status: criteria provided, single submitter. Criteria: ACMG Guidelines, 2015. Collection method: provider interpretation. Allele origin: germline. Inheritance: Autosomal dominant inheritance. Affected: no. Observed: 1 variant allele, 1 heterozygote.
Comment: The variant satisfies PM2 criteria - extremely low frequency in gnomAD population databases. The variant satisfies BP4 criteria - for a missense or a splice region variant, computational prediction tools unanimously support a benign effect on the gene. However, the variant satisfies BS2 criteria - present in heterozygous state in an individual that clinically does not have developmental and epileptic encephalopathy.

Labcorp Genetics (formerly Invitae), Labcorp
Classification: Uncertain significance for Developmental and epileptic encephalopathy, 54. Last evaluated: 2024-02-26. Review status: criteria provided, single submitter. Criteria: Invitae Variant Classification Sherloc (09022015). Collection method: clinical testing. Allele origin: germline.
Comment: This sequence change falls in intron 1 of the HNRNPU gene. It does not directly change the encoded amino acid sequence of the HNRNPU protein. It affects a nucleotide within the consensus splice site. This variant is present in population databases (rs760130988, gnomAD 0.04%), and has an allele count higher than expected for a pathogenic variant. This variant has not been reported in the literature in individuals affected with HNRNPU-related conditions. ClinVar contains an entry for this variant (Variation ID: 662379). Variants that disrupt the consensus splice site are a relatively common cause of aberrant splicing (PMID: 17576681, 9536098). Algorithms developed to predict the effect of sequence changes on RNA splicing suggest that this variant is not likely to affect RNA splicing. In summary, the available evidence is currently insufficient to determine the role of this variant in disease. Therefore, it has been classified as a Variant of Uncertain Significance.

Literature cited by the submitters: PubMed 23708187 (cited by Centre for Medical Genetics,  Mumbai); PubMed 17576681 (cited by Labcorp Genetics (formerly Invitae), Labcorp); PubMed 9536098 (cited by Labcorp Genetics (formerly Invitae), Labcorp).